The following is an entry in ClinVar:

NM_001006658.3(CR2):c.556G>T (p.Gly186Cys)

Gene: CR2 (complement C3d receptor 2; plus strand). Cytogenetic location: 1q32.2.
Variant type: single nucleotide variant.
Coding change: c.556G>T on transcript NM_001006658.3 (MANE Select); coding-DNA position 556, G replaced by T.
Protein change: p.Gly186Cys; replaces glycine 186 with cysteine.
Molecular consequence: missense variant.
Genome position (GRCh38, 1-based): chr1:207,468,637, G>T. VCF-style: chr1-207468637-G-T. GRCh37 (hg19) VCF-style: chr1-207641982-G-T.
Other names: c.556G>T, p.Gly186Cys (NM_001877.5); short protein forms G186C.
Identifiers: ClinVar variation 1954799 (VCV001954799.2), dbSNP rs1435094750, ClinGen allele CA344525914.
Genomic context (GRCh38, chr1:207,468,637, plus strand): 5'-ACAAGTGAGAATGTTGGCTCCATTGCTCCAGGATTGTCTGTGACTTACAGCTGTGAATCT[G>T]GTTACTTGCTTGTTGGAGAAAAGATCATTAACTGTTTGTCTTCGGGAAAATGGAGTGCTG-3'
Protein context (NP_001006659.1, residues 176-196): GLSVTYSCES[Gly186Cys]YLLVGEKIIN

ClinVar aggregate classification (germline): Uncertain significance (1 of 4 stars; one submission).

Conditions:
Immunodeficiency, common variable, 7. Identifiers: Orphanet 1572, Orphanet 696894, MedGen C3542922, MONDO:0013862, OMIM 614699.

gnomAD v4.1: 3 of 1,614,004 alleles (0.00019%); highest among the groups gnomAD compares: Admixed American, 0.005%; no homozygotes.

Submission:

Labcorp Genetics (formerly Invitae), Labcorp
Classification: Uncertain significance for Immunodeficiency, common variable, 7. Last evaluated: 2022-06-09. Review status: criteria provided, single submitter. Criteria: Invitae Variant Classification Sherloc (09022015). Collection method: clinical testing. Allele origin: germline.
Comment: This sequence change replaces glycine, which is neutral and non-polar, with cysteine, which is neutral and slightly polar, at codon 186 of the CR2 protein (p.Gly186Cys). This variant is present in population databases (no rsID available, gnomAD 0.006%). This variant has not been reported in the literature in individuals affected with CR2-related conditions. Algorithms developed to predict the effect of missense changes on protein structure and function (SIFT, PolyPhen-2, Align-GVGD) all suggest that this variant is likely to be disruptive. In summary, the available evidence is currently insufficient to determine the role of this variant in disease. Therefore, it has been classified as a Variant of Uncertain Significance.